The following is an entry in ClinVar:

ClinVar aggregate classification (germline): Uncertain significance (1 of 4 stars; one submission).

Conditions:
Breast-ovarian cancer, familial, susceptibility to, 4. Identifiers: Orphanet 145, MedGen C3280345, MONDO:0013669, OMIM 614291.

Submission:

Labcorp Genetics (formerly Invitae), Labcorp
Classification: Uncertain significance for Breast-ovarian cancer, familial, susceptibility to, 4. Last evaluated: 2024-01-27. Review status: criteria provided, single submitter. Criteria: Invitae Variant Classification Sherloc (09022015). Collection method: clinical testing. Allele origin: germline.
Comment: This sequence change affects codon 301 of the RAD51D mRNA. It is a 'silent' change, meaning that it does not change the encoded amino acid sequence of the RAD51D protein. This variant also falls at the last nucleotide of exon 9, which is part of the consensus splice site for this exon. This variant is not present in population databases (gnomAD no frequency). This variant has not been reported in the literature in individuals affected with RAD51D-related conditions. Variants that disrupt the consensus splice site are a relatively common cause of aberrant splicing (PMID: 17576681, 9536098). Algorithms developed to predict the effect of sequence changes on RNA splicing suggest that this variant may disrupt the consensus splice site. In summary, the available evidence is currently insufficient to determine the role of this variant in disease. Therefore, it has been classified as a Variant of Uncertain Significance.

Literature cited by the submitters: PubMed 17576681; PubMed 9536098.

NM_002878.4(RAD51D):c.903G>A (p.Gln301=)

Genes: RAD51D (RAD51 paralog D; minus strand), RAD51L3-RFFL (RAD51L3-RFFL readthrough; minus strand). Cytogenetic location: 17q12.
Variant type: single nucleotide variant.
Coding change: c.903G>A on transcript NM_002878.4 (MANE Select); coding-DNA position 903, G replaced by A.
Protein change: p.Gln301=; no amino-acid change (glutamine 301 retained).
Molecular consequence: synonymous variant. On other transcripts: non-coding transcript variant (3).
Genome position (GRCh38, 1-based): chr17:35,101,201, C>T on the plus strand (G>A on the coding strand, the complement: RAD51D is on the minus strand). VCF-style: chr17-35101201-C-T. GRCh37 (hg19) VCF-style: chr17-33428220-C-T.
Other names: c.963G>A, p.Gln321= (NM_001142571.2); c.567G>A, p.Gln189= (NM_133629.3).
Identifiers: ClinVar variation 2713403 (VCV002713403.3), dbSNP rs2142410821, ClinGen allele CA499728688.